The following is an entry in ClinVar:

NM_000553.6(WRN):c.3409G>A (p.Ala1137Thr)

Gene: WRN (WRN RecQ like helicase; plus strand). Cytogenetic location: 8p12.
Variant type: single nucleotide variant.
Coding change: c.3409G>A on transcript NM_000553.6 (MANE Select); coding-DNA position 3409, G replaced by A.
Protein change: p.Ala1137Thr; replaces alanine 1137 with threonine.
Molecular consequence: missense variant.
Genome position (GRCh38, 1-based): chr8:31,147,078, G>A. VCF-style: chr8-31147078-G-A. GRCh37 (hg19) VCF-style: chr8-31004594-G-A.
Other names: short protein forms A1137T.
Identifiers: ClinVar variation 1022324 (VCV001022324.5), dbSNP rs545826298, ClinGen allele CA174904635.

ClinVar aggregate classification (germline): Uncertain significance (1 of 4 stars; one submission).

Conditions:
Werner syndrome (WRN). Identifiers: Orphanet 902, MedGen C0043119, MONDO:0010196, OMIM 277700.

Allele frequency attached by ClinVar (database versions not stated): gnomAD exomes below 0.00001; 1000 Genomes Project 30x 0.00016; 1000 Genomes Project 0.00020.
gnomAD v4.1: 5 of 1,613,692 alleles (0.00031%); highest among the groups gnomAD compares: East Asian, 0.0045%; no homozygotes.

Submission:

Labcorp Genetics (formerly Invitae), Labcorp
Classification: Uncertain significance for Werner syndrome. Last evaluated: 2022-02-17. Review status: criteria provided, single submitter. Criteria: Invitae Variant Classification Sherloc (09022015). Collection method: clinical testing. Allele origin: germline.
Comment: This sequence change replaces alanine, which is neutral and non-polar, with threonine, which is neutral and polar, at codon 1137 of the WRN protein (p.Ala1137Thr). This variant is not present in population databases (gnomAD no frequency). This variant has not been reported in the literature in individuals affected with WRN-related conditions. ClinVar contains an entry for this variant (Variation ID: 1022324). Algorithms developed to predict the effect of missense changes on protein structure and function output the following: SIFT: "Not Available"; PolyPhen-2: "Benign"; Align-GVGD: "Not Available". The threonine amino acid residue is found in multiple mammalian species, which suggests that this missense change does not adversely affect protein function. Algorithms developed to predict the effect of sequence changes on RNA splicing suggest that this variant is not likely to affect RNA splicing. In summary, the available evidence is currently insufficient to determine the role of this variant in disease. Therefore, it has been classified as a Variant of Uncertain Significance.